The following is an entry in ClinVar:

NM_001270508.2(TNFAIP3):c.2263G>A (p.Glu755Lys)

Gene: TNFAIP3 (TNF alpha induced protein 3; plus strand). Cytogenetic location: 6q23.3.
Variant type: single nucleotide variant.
Coding change: c.2263G>A on transcript NM_001270508.2 (MANE Select); coding-DNA position 2263, G replaced by A.
Protein change: p.Glu755Lys; replaces glutamic acid 755 with lysine.
Molecular consequence: missense variant.
Genome position (GRCh38, 1-based): chr6:137,881,209, G>A. VCF-style: chr6-137881209-G-A. GRCh37 (hg19) VCF-style: chr6-138202346-G-A.
Other names: c.2263G>A, p.Glu755Lys (NM_001270507.2, NM_006290.4); short protein forms E755K.
Identifiers: ClinVar variation 1978081 (VCV001978081.5), dbSNP rs780709741, ClinGen allele CA4019830.
Genomic context (GRCh38, chr6:137,881,209, plus strand): 5'-GAGTGTCAGCATCCCAACCAGAGGATGGGCCCTGGGGCCCACCGGGGTGAGCCTGCCCCC[G>A]AAGACCCCCCCAAGCAGCGTTGCCGGGCCCCCGCCTGTGATCATTTTGGCAATGCCAAGT-3'
Protein context (NP_001257437.1, residues 745-765): PGAHRGEPAP[Glu755Lys]DPPKQRCRAP

ClinVar aggregate classification (germline): Uncertain significance (1 of 4 stars; one submission).

Allele frequency attached by ClinVar (database versions not stated): gnomAD exomes below 0.00001; ExAC 0.00001.
gnomAD v4.1: 5 of 1,612,734 alleles (0.00031%); highest among the groups gnomAD compares: African/African-American, 0.0013%; no homozygotes.

Submission:

Labcorp Genetics (formerly Invitae), Labcorp
Classification: Uncertain significance. Last evaluated: 2024-03-08. Review status: criteria provided, single submitter. Criteria: Invitae Variant Classification Sherloc (09022015). Collection method: clinical testing. Allele origin: germline.
Comment: This sequence change replaces glutamic acid, which is acidic and polar, with lysine, which is basic and polar, at codon 755 of the TNFAIP3 protein (p.Glu755Lys). This variant is present in population databases (rs780709741, gnomAD 0.0009%). This variant has not been reported in the literature in individuals affected with TNFAIP3-related conditions. ClinVar contains an entry for this variant (Variation ID: 1978081). An algorithm developed to predict the effect of missense changes on protein structure and function (PolyPhen-2) suggests that this variant is likely to be tolerated. In summary, the available evidence is currently insufficient to determine the role of this variant in disease. Therefore, it has been classified as a Variant of Uncertain Significance.